The following is an entry in ClinVar:

NM_005477.3(HCN4):c.289C>T (p.Arg97Cys)

Gene: HCN4 (hyperpolarization activated cyclic nucleotide gated potassium channel 4; minus strand). Cytogenetic location: 15q24.1.
Variant type: single nucleotide variant.
Coding change: c.289C>T on transcript NM_005477.3 (MANE Select); coding-DNA position 289, C replaced by T.
Protein change: p.Arg97Cys; replaces arginine 97 with cysteine.
Molecular consequence: missense variant.
Genome position (GRCh38, 1-based): chr15:73,367,982, G>A on the plus strand (C>T on the coding strand, the complement: HCN4 is on the minus strand). VCF-style: chr15-73367982-G-A. GRCh37 (hg19) VCF-style: chr15-73660323-G-A.
Other names: short protein forms R97C.
Identifiers: ClinVar variation 2883676 (VCV002883676.3), dbSNP rs1230290081, ClinGen allele CA393098473.

ClinVar aggregate classification (germline): Uncertain significance (1 of 4 stars; one submission).

Conditions:
Brugada syndrome 8 (BRGDA8). Identifiers: Orphanet 130, MedGen C2751083, MONDO:0013148, OMIM 613123.

Allele frequency attached by ClinVar (database versions not stated): gnomAD exomes below 0.00001; TOPMed below 0.00001.
gnomAD v4.1: 5 of 1,346,372 alleles (0.00037%); highest among the groups gnomAD compares: African/African-American, 0.0015%; no homozygotes.

Submission:

Labcorp Genetics (formerly Invitae), Labcorp
Classification: Uncertain significance for Brugada syndrome 8. Last evaluated: 2023-05-12. Review status: criteria provided, single submitter. Criteria: Invitae Variant Classification Sherloc (09022015). Collection method: clinical testing. Allele origin: germline.
Comment: Advanced modeling of protein sequence and biophysical properties (such as structural, functional, and spatial information, amino acid conservation, physicochemical variation, residue mobility, and thermodynamic stability) performed at Invitae indicates that this missense variant is not expected to disrupt HCN4 protein function. In summary, the available evidence is currently insufficient to determine the role of this variant in disease. Therefore, it has been classified as a Variant of Uncertain Significance. This variant has not been reported in the literature in individuals affected with HCN4-related conditions. The frequency data for this variant in the population databases is considered unreliable, as metrics indicate poor data quality at this position in the gnomAD database. This sequence change replaces arginine, which is basic and polar, with cysteine, which is neutral and slightly polar, at codon 97 of the HCN4 protein (p.Arg97Cys).